The following is an entry in ClinVar:

NM_004370.6(COL12A1):c.6074G>A (p.Arg2025His)

Gene: COL12A1 (collagen type XII alpha 1 chain; minus strand). Cytogenetic location: 6q13.
Variant type: single nucleotide variant.
Coding change: c.6074G>A on transcript NM_004370.6 (MANE Select); coding-DNA position 6074, G replaced by A.
Protein change: p.Arg2025His; replaces arginine 2025 with histidine.
Molecular consequence: missense variant.
Genome position (GRCh38, 1-based): chr6:75,130,227, C>T on the plus strand (G>A on the coding strand, the complement: COL12A1 is on the minus strand). VCF-style: chr6-75130227-C-T. GRCh37 (hg19) VCF-style: chr6-75839943-C-T.
Other names: p.Arg2025His; c.2582G>A, p.Arg861His (NM_080645.3); short protein forms R2025H, R861H.
Identifiers: ClinVar variation 643528 (VCV000643528.18), dbSNP rs34336755, ClinGen allele CA3892899.
Genomic context (GRCh38, chr6:75,130,227, plus strand): 5'-CAGGCTACCGAGAGGCTATTGGTTGTTTCACCAAAGACTCTCAGGTTCCTTGGTCCACTG[C>T]GTGGTACTAAATAAATAAAATACAATAGAGTTTGTTGCCTGCCTGTGAGCATTACCTAAG-3'
Protein context (NP_004361.3, residues 2015-2035): PSPAQGRTLP[Arg2025His]SGPRNLRVFG

ClinVar aggregate classification (germline): Conflicting classifications of pathogenicity. Review status: criteria provided, conflicting classifications (1 of 4 stars). 6 submissions from 6 submitters: Uncertain significance (5); Likely benign (1). Last evaluated 2026-04-01.

Conditions:
Ullrich congenital muscular dystrophy 2 (UCMD2). Identifiers: Orphanet 75840, MedGen C4225314, MONDO:0014654, OMIM 616470.
Bethlem myopathy 2 (BTHLM2). Identifiers: Orphanet 536516, Orphanet 610, MedGen C4225313, MONDO:0034022, OMIM 616471.

Allele frequency attached by ClinVar (database versions not stated): gnomAD 0.00006 and 0.00007; TOPMed 0.00007; 1000 Genomes Project 0.00020; 1000 Genomes Project 30x 0.00031.
gnomAD v4.1: 123 of 1,613,472 alleles (0.0076%); highest among the groups gnomAD compares: Non-Finnish European, 0.0093%; no homozygotes.

Submissions (6):

CeGaT Center for Human Genetics Tuebingen
Classification: Uncertain significance. Last evaluated: 2026-04-01. Review status: criteria provided, single submitter. Criteria: CeGaT Center For Human Genetics Tuebingen Variant Classification Criteria Version 2. Collection method: clinical testing. Allele origin: germline. Affected: yes. Observed: 1 variant allele.

Labcorp Genetics (formerly Invitae), Labcorp
Classification: Likely benign for Bethlem myopathy 2; Ullrich congenital muscular dystrophy 2. Last evaluated: 2025-07-30. Review status: criteria provided, single submitter. Criteria: Invitae Variant Classification Sherloc (09022015). Collection method: clinical testing. Allele origin: germline.

Women's Health and Genetics/Laboratory Corporation of America, LabCorp
Classification: Uncertain significance. Last evaluated: 2025-06-30. Review status: criteria provided, single submitter. Criteria: LabCorp Variant Classification Summary - May 2015. Collection method: clinical testing. Allele origin: germline.
Comment: Variant summary: COL12A1 c.6074G>A (p.Arg2025His) results in a non-conservative amino acid change in the encoded protein sequence. Algorithms developed to predict the effect of missense changes on protein structure and function are either unavailable or do not agree on the potential impact of this missense change. The variant allele was found at a frequency of 3.6e-05 in 248342 control chromosomes. The available data on variant occurrences in the general population are insufficient to allow any conclusion about variant significance. To our knowledge, no occurrence of c.6074G>A in individuals affected with Ullrich congenital muscular dystrophy 2 and no experimental evidence demonstrating its impact on protein function have been reported. ClinVar contains an entry for this variant (Variation ID: 643528). Based on the evidence outlined above, the variant was classified as uncertain significance.

Revvity Omics, Revvity
Classification: Uncertain significance. Last evaluated: 2025-06-02. Review status: criteria provided, single submitter. Criteria: ACMG Guidelines, 2015. Collection method: clinical testing. Allele origin: germline.

Mayo Clinic Laboratories, Mayo Clinic
Classification: Uncertain significance. Last evaluated: 2025-03-10. Review status: criteria provided, single submitter. Criteria: ACMG Guidelines, 2015. Collection method: clinical testing. Allele origin: germline. Observed: 1 variant allele.
Comment: BP4

GeneDx
Classification: Uncertain significance. Last evaluated: 2022-03-23. Review status: criteria provided, single submitter. Criteria: GeneDx Variant Classification Process June 2021. Collection method: clinical testing. Allele origin: germline. Affected: yes.
Comment: Has not been previously published as pathogenic or benign to our knowledge; In silico analysis supports that this missense variant does not alter protein structure/function